The following is an entry in ClinVar:

ClinVar aggregate classification (germline): Uncertain significance (1 of 4 stars; one submission).

Conditions:
Cardiovascular phenotype. Identifiers: MedGen CN230736.

Allele frequency attached by ClinVar (database versions not stated): gnomAD exomes below 0.00001; ExAC 0.00001.

Submission:

Ambry Genetics
Classification: Uncertain significance for Cardiovascular phenotype. Last evaluated: 2023-02-16. Review status: criteria provided, single submitter. Criteria: Ambry Variant Classification Scheme 2023. Collection method: clinical testing. Allele origin: germline.
Comment: The p.L1680M variant (also known as c.5038C>A), located in coding exon 13 of the TNXB gene, results from a C to A substitution at nucleotide position 5038. The leucine at codon 1680 is replaced by methionine, an amino acid with highly similar properties. This amino acid position is conserved. In addition, this alteration is predicted to be tolerated by in silico analysis. Since supporting evidence is limited at this time, the clinical significance of this alteration remains unclear.

NM_001365276.2(TNXB):c.5038C>A (p.Leu1680Met)

Gene: TNXB (tenascin XB; minus strand). Cytogenetic location: 6p21.33.
Variant type: single nucleotide variant.
Coding change: c.5038C>A on transcript NM_001365276.2 (MANE Select); coding-DNA position 5038, C replaced by A.
Protein change: p.Leu1680Met; replaces leucine 1680 with methionine.
Molecular consequence: missense variant.
Genome position (GRCh38, 1-based): chr6:32,070,367, G>T on the plus strand (C>A on the coding strand, the complement: TNXB is on the minus strand). VCF-style: chr6-32070367-G-T. GRCh37 (hg19) VCF-style: chr6-32038144-G-T.
Other names: c.5038C>A, p.Leu1680Met (NM_019105.8); short protein forms L1680M.
Identifiers: ClinVar variation 2451179 (VCV002451179.2), dbSNP rs766964725, ClinGen allele CA3734808.